The following is an entry in ClinVar:

NM_001374504.1(TMPRSS6):c.1480T>A (p.Cys494Ser)

Gene: TMPRSS6 (transmembrane serine protease 6; minus strand). Cytogenetic location: 22q12.3.
Variant type: single nucleotide variant.
Coding change: c.1480T>A on transcript NM_001374504.1 (MANE Select); coding-DNA position 1480, T replaced by A.
Protein change: p.Cys494Ser; replaces cysteine 494 with serine.
Molecular consequence: missense variant.
Genome position (GRCh38, 1-based): chr22:37,073,607, A>T on the plus strand (T>A on the coding strand, the complement: TMPRSS6 is on the minus strand). VCF-style: chr22-37073607-A-T. GRCh37 (hg19) VCF-style: chr22-37469647-A-T.
Other names: c.1480T>A, p.Cys494Ser (NM_001289000.2, NM_001289001.2, NM_153609.4); short protein forms C494S.
Identifiers: ClinVar variation 4986085 (VCV004986085.1).
Genomic context (GRCh38, chr22:37,073,607, plus strand): 5'-CTTCGTCGCTGCCGTTGAGACAATCAGGCTGCCCATCACAGACCTTGGGCAGTGAGATGC[A>T]TGTGCTGTCCTCTTTGCACTGGAATGTGGCTCTGCAAACTGTGTGGGGACACAGAGAGGG-3'
Protein context (NP_001361433.1, residues 484-504): ATFQCKEDST[Cys494Ser]ISLPKVCDGQ

ClinVar aggregate classification (germline): Uncertain significance (1 of 4 stars; one submission).

Conditions:
TMPRSS6-related disorder. Also called: TMPRSS6-related condition.

Submission:

PreventionGenetics, part of Exact Sciences
Classification: Uncertain significance for TMPRSS6-related condition. Last evaluated: 2025-07-31. Review status: criteria provided, single submitter. Criteria: ACMG Guidelines, 2015. Collection method: clinical testing. Allele origin: germline.
Comment: The TMPRSS6 c.1507T>A variant is predicted to result in the amino acid substitution p.Cys503Ser. To our knowledge, this variant has not been reported in the literature or in a large population database (gnomAD), indicating this variant is rare. Although we suspect that this variant may be pathogenic, at this time, the clinical significance of this variant is uncertain due to the absence of conclusive functional and genetic evidence.